The following is an entry in ClinVar:

NC_000023.10:g.(?_32479316)_(32482836_?)del

Gene: DMD (dystrophin; minus strand). Cytogenetic location: Xp21.1.
Variant type: Deletion.
Identifiers: ClinVar variation 3246894 (VCV003246894.1).

ClinVar aggregate classification (germline): Pathogenic (1 of 4 stars; one submission).

Conditions:
Duchenne muscular dystrophy (DMD). Also called: MUSCULAR DYSTROPHY, PSEUDOHYPERTROPHIC PROGRESSIVE, DUCHENNE TYPE; Duchenne Muscular Dystrophy (DMD). Identifiers: Orphanet 98896, MedGen C0013264, MONDO:0010679, OMIM 310200.

Submission:

Labcorp Genetics (formerly Invitae), Labcorp
Classification: Pathogenic for Duchenne muscular dystrophy. Last evaluated: 2023-08-02. Review status: criteria provided, single submitter. Criteria: Invitae Variant Classification Sherloc (09022015). Collection method: clinical testing. Allele origin: unknown.
Comment: For these reasons, this variant has been classified as Pathogenic. This variant disrupts a region of the DMD protein in which other variant(s) (Deletion (Exon 24)) have been determined to be pathogenic (PMID: 19937601, 29604111). This suggests that this is a clinically significant region of the protein, and that variants that disrupt it are likely to be disease-causing. A similar copy number variant has been observed in individual(s) with duchenne muscular dystrophy (PMID: 22754229). This variant is a gross deletion of the genomic region encompassing exon(s) 24-25 of the DMD gene. This variant would be expected to be in-frame, preserving the integrity of the reading frame.

Literature cited by the submitters: PubMed 19937601; PubMed 29604111; PubMed 22754229.